The following is an entry in ClinVar:

ClinVar aggregate classification (germline): Uncertain significance (1 of 4 stars; one submission).

Conditions:
T-B+ severe combined immunodeficiency due to JAK3 deficiency. Also called: SCID, autosomal recessive, T-negative/B-positive type; SCID, T CELL-NEGATIVE, B CELL-POSITIVE, NK CELL-NEGATIVE. Identifiers: Orphanet 35078, MedGen C1833275, MONDO:0010938, OMIM 600802.

Submission:

Labcorp Genetics (formerly Invitae), Labcorp
Classification: Uncertain significance for T-B+ severe combined immunodeficiency due to JAK3 deficiency. Last evaluated: 2023-07-12. Review status: criteria provided, single submitter. Criteria: Invitae Variant Classification Sherloc (09022015). Collection method: clinical testing. Allele origin: germline.
Comment: This variant is not present in population databases (gnomAD no frequency). This sequence change replaces arginine, which is basic and polar, with proline, which is neutral and non-polar, at codon 431 of the JAK3 protein (p.Arg431Pro). In summary, the available evidence is currently insufficient to determine the role of this variant in disease. Therefore, it has been classified as a Variant of Uncertain Significance. Algorithms developed to predict the effect of sequence changes on RNA splicing suggest that this variant may create or strengthen a splice site. An algorithm developed to predict the effect of missense changes on protein structure and function (PolyPhen-2) suggests that this variant is likely to be disruptive. This variant has not been reported in the literature in individuals affected with JAK3-related conditions.

NM_000215.4(JAK3):c.1292G>C (p.Arg431Pro)

Gene: JAK3 (Janus kinase 3; minus strand). Cytogenetic location: 19p13.11.
Variant type: single nucleotide variant.
Coding change: c.1292G>C on transcript NM_000215.4 (MANE Select); coding-DNA position 1292, G replaced by C.
Protein change: p.Arg431Pro; replaces arginine 431 with proline.
Molecular consequence: missense variant.
Genome position (GRCh38, 1-based): chr19:17,839,626, C>G on the plus strand (G>C on the coding strand, the complement: JAK3 is on the minus strand). VCF-style: chr19-17839626-C-G. GRCh37 (hg19) VCF-style: chr19-17950435-C-G.
Other names: short protein forms R431P.
Identifiers: ClinVar variation 2731310 (VCV002731310.3), dbSNP rs144953325, ClinGen allele CA404770420.